The following is an entry in ClinVar:

ClinVar aggregate classification (germline): Likely benign. Review status: criteria provided, multiple submitters, no conflicts (2 of 4 stars). 3 submissions from 3 submitters: Likely benign (3). Last evaluated 2025-12-22.

Conditions:
TMEM216-related disorder. Also called: TMEM216-related condition; TMEM216-related disorders.
Joubert syndrome. Also called: Familial aplasia of the vermis; JOUBERT-BOLTSHAUSER SYNDROME. Identifiers: Orphanet 475, MedGen C5979921, MONDO:0018772.

Allele frequency attached by ClinVar (database versions not stated): gnomAD exomes below 0.00001 and 0.00001; ExAC 0.00001; gnomAD 0.00002; TOPMed 0.00002.

Submissions (3):

Labcorp Genetics (formerly Invitae), Labcorp
Classification: Likely benign for Joubert syndrome. Last evaluated: 2025-12-22. Review status: criteria provided, single submitter. Criteria: Invitae Variant Classification Sherloc (09022015). Collection method: clinical testing. Allele origin: germline.

PreventionGenetics, part of Exact Sciences
Classification: Likely benign for TMEM216-related condition. Last evaluated: 2025-05-22. Review status: criteria provided, single submitter. Criteria: ACMG Guidelines, 2015. Collection method: clinical testing. Allele origin: germline.
Comment: This variant is classified as likely benign based on ACMG/AMP sequence variant interpretation guidelines (Richards et al. 2015 PMID: 25741868, with internal and published modifications).

Blueprint Genetics
Classification: Likely benign. Last evaluated: 2023-09-20. Review status: criteria provided, single submitter. Criteria: ACMG Guidelines, 2015. Collection method: clinical testing. Allele origin: germline.

NM_001173990.3(TMEM216):c.375C>T (p.Leu125=)

Gene: TMEM216 (transmembrane protein 216; plus strand). Cytogenetic location: 11q12.2.
Variant type: single nucleotide variant.
Coding change: c.375C>T on transcript NM_001173990.3 (MANE Select); coding-DNA position 375, C replaced by T.
Protein change: p.Leu125=; no amino-acid change (leucine 125 retained).
Molecular consequence: synonymous variant.
Genome position (GRCh38, 1-based): chr11:61,397,919, C>T. VCF-style: chr11-61397919-C-T. GRCh37 (hg19) VCF-style: chr11-61165391-C-T.
Other names: c.375C>T (NM_001173991.2); c.375C>T, p.Leu125= (NM_001173991.3); c.192C>T, p.Leu64= (NM_001330285.2, NM_016499.6).
Identifiers: ClinVar variation 1126223 (VCV001126223.11), dbSNP rs753317056, ClinGen allele CA6034756.